The following is an entry in ClinVar:

NM_003480.4(MFAP5):c.457C>A (p.Arg153Ser)

Genes: MFAP5 (microfibril associated protein 5; minus strand), LOC126861443 (BRD4-independent group 4 enhancer GRCh37_chr12:8800473-8801672; plus strand). Cytogenetic location: 12p13.31.
Variant type: single nucleotide variant.
Coding change: c.457C>A on transcript NM_003480.4 (MANE Select); coding-DNA position 457, C replaced by A.
Protein change: p.Arg153Ser; replaces arginine 153 with serine.
Molecular consequence: missense variant. On other transcripts: non-coding transcript variant (2).
Genome position (GRCh38, 1-based): chr12:8,648,156, G>T on the plus strand (C>A on the coding strand, the complement: MFAP5 is on the minus strand). VCF-style: chr12-8648156-G-T. GRCh37 (hg19) VCF-style: chr12-8800752-G-T.
Other names: c.427C>A, p.Arg143Ser (NM_001297709.2); c.391C>A, p.Arg131Ser (NM_001297710.2); c.382C>A, p.Arg128Ser (NM_001297711.2); c.265C>A, p.Arg89Ser (NM_001297712.2); short protein forms R131S, R128S, R153S, R89S, R143S.
Identifiers: ClinVar variation 3693854 (VCV003693854.2).

ClinVar aggregate classification (germline): Uncertain significance (1 of 4 stars; one submission).

Submission:

Labcorp Genetics (formerly Invitae), Labcorp
Classification: Uncertain significance. Last evaluated: 2024-06-10. Review status: criteria provided, single submitter. Criteria: Invitae Variant Classification Sherloc (09022015). Collection method: clinical testing. Allele origin: germline.
Comment: This sequence change replaces arginine, which is basic and polar, with serine, which is neutral and polar, at codon 153 of the MFAP5 protein (p.Arg153Ser). This variant is not present in population databases (gnomAD no frequency). This variant has not been reported in the literature in individuals affected with MFAP5-related conditions. An algorithm developed to predict the effect of missense changes on protein structure and function (PolyPhen-2) suggests that this variant is likely to be disruptive. In summary, the available evidence is currently insufficient to determine the role of this variant in disease. Therefore, it has been classified as a Variant of Uncertain Significance.